The following is an entry in ClinVar:

ClinVar aggregate classification (germline): Uncertain significance. Review status: criteria provided, multiple submitters, no conflicts (2 of 4 stars). 3 submissions from 3 submitters: Uncertain significance (2). 1 of the submissions does not count toward it. Last evaluated 2018-01-13.

Conditions:
F13B-related disorder. Also called: F13B-related condition.
Factor XIII, b subunit, deficiency of. Also called: Factor XIII subunit B deficiency. Identifiers: Orphanet 331, MedGen C2750481, MONDO:0013190, OMIM 613235, HP:0040234.

Allele frequency attached by ClinVar (database versions not stated): gnomAD 0.00046 and 0.00076; gnomAD exomes 0.00055 and 0.00142; TOPMed 0.00067; ExAC 0.00126; 1000 Genomes Project 30x 0.00312; 1000 Genomes Project 0.00379.
gnomAD v4.1: 917 of 1,613,896 alleles (0.057%); highest among the groups gnomAD compares: East Asian, 1.8%; 8 homozygotes.

Submissions (3):

Illumina Laboratory Services, Illumina
Classification: Uncertain significance for Factor XIII, b subunit, deficiency of. Last evaluated: 2018-01-13. Review status: criteria provided, single submitter. Criteria: ICSL Variant Classification Criteria 13 December 2019. Collection method: clinical testing. Allele origin: germline.

Breakthrough Genomics
Classification: Uncertain significance. Review status: criteria provided, single submitter. Criteria: ACMG Guidelines, 2015. Collection method: not provided. Allele origin: germline. Inheritance: Autosomal recessive inheritance. Affected: yes.

PreventionGenetics, part of Exact Sciences
Classification: Benign for F13B-related condition. Last evaluated: 2019-08-19. Review status: no assertion criteria provided. Collection method: clinical testing. Allele origin: germline. Not counted in ClinVar's aggregate classification.
Comment: This variant is classified as benign based on ACMG/AMP sequence variant interpretation guidelines (Richards et al. 2015 PMID: 25741868, with internal and published modifications).

NM_001994.3(F13B):c.986-4T>C

Gene: F13B (coagulation factor XIII B chain; minus strand). Cytogenetic location: 1q31.3.
Variant type: single nucleotide variant.
Coding change: c.986-4T>C on transcript NM_001994.3 (MANE Select); 4 bases into the intron before coding-DNA position 986, T replaced by C.
Molecular consequence: intron variant.
Genome position (GRCh38, 1-based): chr1:197,057,202, A>G on the plus strand (T>C on the coding strand, the complement: F13B is on the minus strand). VCF-style: chr1-197057202-A-G. GRCh37 (hg19) VCF-style: chr1-197026332-A-G.
Identifiers: ClinVar variation 294582 (VCV000294582.8), dbSNP rs76405247, ClinGen allele CA1308431.
Genomic context (GRCh38, chr1:197,057,202, plus strand): 5'-TTGCTGCACCATTTTCAATGAAGGGTGGTTCCTCACAGGCTACCTTCTCCTGTCCTTCTG[A>G]AAAGGTACAGTTGAAAGAGAACTGACCATTTAGCTACACATGCAGATTTCATTTTAGCAA-3'